The following is an entry in ClinVar:

ClinVar aggregate classification (germline): Uncertain significance (1 of 4 stars; one submission).

Conditions:
Inborn genetic diseases. Identifiers: MedGen C0950123, MeSH D030342.

Submission:

Ambry Genetics
Classification: Uncertain significance for Inborn genetic diseases. Last evaluated: 2026-01-13. Review status: criteria provided, single submitter. Criteria: Ambry Variant Classification Scheme 2023. Collection method: clinical testing. Allele origin: germline.
Comment: The p.Q185E variant (also known as c.553C>G), located in coding exon 5 of the CEP57 gene, results from a C to G substitution at nucleotide position 553. The glutamine at codon 185 is replaced by glutamic acid, an amino acid with highly similar properties. This amino acid position is conserved. In addition, this alteration is predicted to be tolerated by in silico analysis. Based on the available evidence, the clinical significance of this variant remains unclear.

NM_014679.5(CEP57):c.553C>G (p.Gln185Glu)

Gene: CEP57 (centrosomal protein 57; plus strand). Cytogenetic location: 11q21.
Variant type: single nucleotide variant.
Coding change: c.553C>G on transcript NM_014679.5 (MANE Select); coding-DNA position 553, C replaced by G.
Protein change: p.Gln185Glu; replaces glutamine 185 with glutamic acid.
Molecular consequence: missense variant. On other transcripts: intron variant (7).
Genome position (GRCh38, 1-based): chr11:95,817,835, C>G. VCF-style: chr11-95817835-C-G. GRCh37 (hg19) VCF-style: chr11-95550999-C-G.
Other names: c.526C>G, p.Gln176Glu (NM_001243776.2); c.553C>G, p.Gln185Glu (NM_001243777.2, NM_001440871.1, NM_001440874.1); c.472C>G, p.Gln158Glu (NM_001363604.2, NM_001440869.1, NM_001440870.1 and 1 more transcripts); c.373C>G, p.Gln125Glu (NM_001440873.1); c.292C>G, p.Gln98Glu (NM_001440880.1); c.424-992C>G (NM_001440877.1, NM_001440878.1); c.505-992C>G (NM_001440872.1, NM_001440876.1, NM_001440879.1 and 1 more transcripts); c.325-992C>G (NM_001440881.1); short protein forms Q158E, Q98E, Q185E, Q125E, Q176E.
Identifiers: ClinVar variation 4842320 (VCV004842320.1).
Genomic context (GRCh38, chr11:95,817,835, plus strand): 5'-ATTGTTTTTCAGGTTTCCCTAGAAAGAGAACGACAACATGATCAAACACATGTTCAGAGC[C>G]AACTTGAAAAATTGGATCTTCTTGAACAGGAGTATAACAAACTTACCACAATGCAGGCCC-3'
Protein context (NP_055494.2, residues 175-195): RQHDQTHVQS[Gln185Glu]LEKLDLLEQE